The following is an entry in ClinVar:

ClinVar aggregate classification (germline): Benign (1 of 4 stars; one submission).

Conditions:
Retinitis pigmentosa (RP). Identifiers: Orphanet 791, MedGen C0035334, MeSH D012174, MONDO:0019200, OMIM 268000. Inheritance: Autosomal dominant, autosomal recessive and X linked inheritance.

Allele frequency attached by ClinVar (database versions not stated): 1000 Genomes Project 30x 0.40646; 1000 Genomes Project 0.40755; TOPMed 0.44470; gnomAD 0.44785 and 0.44908; gnomAD exomes 0.52830.
gnomAD v4.1: 68,103 of 151,886 alleles (45%); highest among the groups gnomAD compares: Non-Finnish European, 52%; 15,910 homozygotes.

Submission:

Illumina Laboratory Services, Illumina
Classification: Benign for Retinitis pigmentosa. Last evaluated: 2018-01-13. Review status: criteria provided, single submitter. Criteria: ICSL Variant Classification Criteria 13 December 2019. Collection method: clinical testing. Allele origin: germline.
Comment: This variant was observed in the ICSL laboratory as part of a predisposition screen in an ostensibly healthy population. It had not been previously curated by ICSL or reported in the Human Gene Mutation Database (HGMD: prior to June 1st, 2018), and was therefore a candidate for classification through an automated scoring system. Utilizing variant allele frequency, disease prevalence and penetrance estimates, and inheritance mode, an automated score was calculated to assess if this variant is too frequent to cause the disease. Based on the score and internal cut-off values, a variant classified as benign is not then subjected to further curation. The score for this variant resulted in a classification of benign for this disease.

NM_000440.3(PDE6A):c.*2194G>A

Gene: PDE6A (phosphodiesterase 6A; minus strand). Cytogenetic location: 5q32.
Variant type: single nucleotide variant.
Coding change: c.*2194G>A on transcript NM_000440.3 (MANE Select); 2194 bases downstream of the stop codon, G replaced by A.
Molecular consequence: 3 prime UTR variant.
Genome position (GRCh38, 1-based): chr5:149,858,701, C>T on the plus strand (G>A on the coding strand, the complement: PDE6A is on the minus strand). VCF-style: chr5-149858701-C-T. GRCh37 (hg19) VCF-style: chr5-149238264-C-T.
Identifiers: ClinVar variation 351947 (VCV000351947.5), dbSNP rs30886, ClinGen allele CA10620790.
Genomic context (GRCh38, chr5:149,858,701, plus strand): 5'-ATGGTGGTGCATGCCTGTGGTCACCGCTGCTTGGTAAGCTGAGATGGAGGATTGCTTGAG[C>T]CCGGGCAGCTGGGGCTCCAGTGAGCTATGGTCATACCACTGCACTCCAGCCTGGGCGACA-3'